The following is an entry in ClinVar:

NM_001939.3(DRP2):c.865G>A (p.Val289Ile)

Gene: DRP2 (dystrophin related protein 2; plus strand). Cytogenetic location: Xq22.1.
Variant type: single nucleotide variant.
Coding change: c.865G>A on transcript NM_001939.3 (MANE Select); coding-DNA position 865, G replaced by A.
Protein change: p.Val289Ile; replaces valine 289 with isoleucine.
Molecular consequence: missense variant.
Genome position (GRCh38, 1-based): chrX:101,242,361, G>A. VCF-style: chrX-101242361-G-A. GRCh37 (hg19) VCF-style: chrX-100497350-G-A.
Other names: c.631G>A, p.Val211Ile (NM_001171184.2); short protein forms V289I, V211I.
Identifiers: ClinVar variation 3648027 (VCV003648027.2).

ClinVar aggregate classification (germline): Uncertain significance (1 of 4 stars; one submission).

Submission:

Labcorp Genetics (formerly Invitae), Labcorp
Classification: Uncertain significance. Last evaluated: 2024-03-28. Review status: criteria provided, single submitter. Criteria: Invitae Variant Classification Sherloc (09022015). Collection method: clinical testing. Allele origin: germline.
Comment: This sequence change replaces valine, which is neutral and non-polar, with isoleucine, which is neutral and non-polar, at codon 289 of the DRP2 protein (p.Val289Ile). This variant is not present in population databases (gnomAD no frequency). This variant has not been reported in the literature in individuals affected with DRP2-related conditions. Advanced modeling of protein sequence and biophysical properties (such as structural, functional, and spatial information, amino acid conservation, physicochemical variation, residue mobility, and thermodynamic stability) performed at Invitae indicates that this missense variant is not expected to disrupt DRP2 protein function with a negative predictive value of 80%. In summary, the available evidence is currently insufficient to determine the role of this variant in disease. Therefore, it has been classified as a Variant of Uncertain Significance.